The following is an entry in ClinVar:

NM_015161.3(ARL6IP1):c.26C>G (p.Thr9Ser)

Genes: ARL6IP1 (ARL6 interacting reticulophagy regulator 1; minus strand), LOC130058582 (ATAC-STARR-seq lymphoblastoid active region 10520; plus strand). Cytogenetic location: 16p12.3.
Variant type: single nucleotide variant.
Coding change: c.26C>G on transcript NM_015161.3 (MANE Select); coding-DNA position 26, C replaced by G.
Protein change: p.Thr9Ser; replaces threonine 9 with serine.
Molecular consequence: missense variant.
Genome position (GRCh38, 1-based): chr16:18,801,441, G>C on the plus strand (C>G on the coding strand, the complement: ARL6IP1 is on the minus strand). VCF-style: chr16-18801441-G-C. GRCh37 (hg19) VCF-style: chr16-18812763-G-C.
Other names: short protein forms T9S.
Identifiers: ClinVar variation 583366 (VCV000583366.11), dbSNP rs747185659, ClinGen allele CA7929583.

ClinVar aggregate classification (germline): Uncertain significance. Review status: criteria provided, multiple submitters, no conflicts (2 of 4 stars). 2 submissions from 2 submitters: Uncertain significance (2). Last evaluated 2022-05-04.

Conditions:
Hereditary spastic paraplegia 61. Also called: Spastic paraplegia 61, autosomal recessive. Identifiers: Orphanet 401780, MedGen C3810294, MONDO:0014304, OMIM 615685.
Inborn genetic diseases. Identifiers: MedGen C0950123, MeSH D030342.

Allele frequency attached by ClinVar (database versions not stated): TOPMed 0.00003; ExAC 0.00004.
gnomAD v4.1: 97 of 1,612,902 alleles (0.006%); highest among the groups gnomAD compares: Non-Finnish European, 0.0079%; 1 homozygote.

Submissions (2):

Ambry Genetics
Classification: Uncertain significance for Inborn genetic diseases. Last evaluated: 2022-05-04. Review status: criteria provided, single submitter. Criteria: Ambry Variant Classification Scheme 2023. Collection method: clinical testing. Allele origin: germline.

Labcorp Genetics (formerly Invitae), Labcorp
Classification: Uncertain significance for Hereditary spastic paraplegia 61. Last evaluated: 2022-03-12. Review status: criteria provided, single submitter. Criteria: Invitae Variant Classification Sherloc (09022015). Collection method: clinical testing. Allele origin: germline.
Comment: This variant is present in population databases (rs747185659, gnomAD 0.006%). This variant has not been reported in the literature in individuals affected with ARL6IP1-related conditions. ClinVar contains an entry for this variant (Variation ID: 583366). Algorithms developed to predict the effect of missense changes on protein structure and function output the following: SIFT: "Tolerated"; PolyPhen-2: "Not Available"; Align-GVGD: "Class C0". The serine amino acid residue is found in multiple mammalian species, which suggests that this missense change does not adversely affect protein function. In summary, the available evidence is currently insufficient to determine the role of this variant in disease. Therefore, it has been classified as a Variant of Uncertain Significance. This sequence change replaces threonine, which is neutral and polar, with serine, which is neutral and polar, at codon 9 of the ARL6IP1 protein (p.Thr9Ser).